The following is an entry in ClinVar:

NM_002838.5(PTPRC):c.1318A>C (p.Asn440His)

Gene: PTPRC (protein tyrosine phosphatase receptor type C; plus strand). Cytogenetic location: 1q32.1.
Variant type: single nucleotide variant.
Coding change: c.1318A>C on transcript NM_002838.5 (MANE Select); coding-DNA position 1318, A replaced by C.
Protein change: p.Asn440His; replaces asparagine 440 with histidine.
Molecular consequence: missense variant.
Genome position (GRCh38, 1-based): chr1:198,716,708, A>C. VCF-style: chr1-198716708-A-C. GRCh37 (hg19) VCF-style: chr1-198685837-A-C.
Other names: c.835A>C, p.Asn279His (NM_080921.4); short protein forms N279H, N440H.
Identifiers: ClinVar variation 1395899 (VCV001395899.6), dbSNP rs2102439668, ClinGen allele CA344037237.

ClinVar aggregate classification (germline): Uncertain significance (1 of 4 stars; one submission).

Conditions:
Immunodeficiency 104. Also called: Severe combined immunodeficiency, autosomal recessive, T cell-negative, B cell-positive, NK cell-positive; Severe Combined Immune Deficiency, Autosomal Recessive, TCell -Negative, B Cell-Positive, NK Cell-Positive, IL7R-Related; SCID, AUTOSOMAL RECESSIVE, T CELL-NEGATIVE, B CELL-POSITIVE, NK CELL-POSITIVE; IMMUNODEFICIENCY 104, SEVERE COMBINED. Identifiers: MedGen C5676890, MONDO:0012163, OMIM 608971.

Submission:

Labcorp Genetics (formerly Invitae), Labcorp
Classification: Uncertain significance for Immunodeficiency 104. Last evaluated: 2021-11-30. Review status: criteria provided, single submitter. Criteria: Invitae Variant Classification Sherloc (09022015). Collection method: clinical testing. Allele origin: germline.
Comment: In summary, the available evidence is currently insufficient to determine the role of this variant in disease. Therefore, it has been classified as a Variant of Uncertain Significance. Algorithms developed to predict the effect of missense changes on protein structure and function output the following: SIFT: "Tolerated"; PolyPhen-2: "Benign"; Align-GVGD: "Class C0". The histidine amino acid residue is found in multiple mammalian species, which suggests that this missense change does not adversely affect protein function. This variant has not been reported in the literature in individuals affected with PTPRC-related conditions. This variant is not present in population databases (gnomAD no frequency). This sequence change replaces asparagine, which is neutral and polar, with histidine, which is basic and polar, at codon 440 of the PTPRC protein (p.Asn440His).